The following is an entry in ClinVar:

NM_006424.3(SLC34A2):c.1606TTC[2] (p.Phe538del)

Gene: SLC34A2 (solute carrier family 34 member 2; plus strand). Cytogenetic location: 4p15.2.
Variant type: Microsatellite.
Coding change: c.1606TTC[2] on transcript NM_006424.3 (MANE Select); two copies in a row of the 3-base unit TTC starting at c.1606; the reference has three copies in a row; one copy, 3 bases deleted.
Protein change: p.Phe538del; deletes phenylalanine 538.
Molecular consequence: inframe deletion.
Genome position (GRCh38, 1-based): chr4:25,676,288-25,676,290, TTC deleted; deleting any 3 consecutive bases within chr4:25,676,280-25,676,290 gives the same sequence; the position shown is the placement nearest the transcript's 3' end. VCF-style (leftmost placement, unchanged base first): chr4-25676279-ATCT-A. GRCh37 (hg19) VCF-style: chr4-25677901-ATCT-A.
Other names: c.1603TTC[2], p.Phe537del (NM_001177998.2, NM_001177999.2); short protein forms F537del, F538del.
Identifiers: ClinVar variation 4989260 (VCV004989260.1).

ClinVar aggregate classification (germline): Uncertain significance (1 of 4 stars; one submission).

Conditions:
SLC34A2-related disorder. Also called: SLC34A2-related condition.

Submission:

PreventionGenetics, part of Exact Sciences
Classification: Uncertain significance for SLC34A2-related condition. Last evaluated: 2026-04-23. Review status: criteria provided, single submitter. Criteria: ACMG Guidelines, 2015. Collection method: clinical testing. Allele origin: germline.
Comment: The SLC34A2 c.1612_1614delTTC variant is predicted to result in an in-frame deletion (p.Phe538del). To our knowledge, this variant has not been reported in the literature. This variant is reported in 0.0080% of alleles in individuals of African descent in gnomAD. At this time, the clinical significance of this variant is uncertain due to the absence of conclusive functional and genetic evidence.